The following is an entry in ClinVar:

NM_005522.5(HOXA1):c.*1090C>T

Gene: HOXA1 (homeobox A1; minus strand). Cytogenetic location: 7p15.2.
Variant type: single nucleotide variant.
Coding change: c.*1090C>T on transcript NM_005522.5 (MANE Select); 1090 bases downstream of the stop codon, C replaced by T.
Molecular consequence: 3 prime UTR variant.
Genome position (GRCh38, 1-based): chr7:27,093,350, G>A on the plus strand (C>T on the coding strand, the complement: HOXA1 is on the minus strand). VCF-style: chr7-27093350-G-A. GRCh37 (hg19) VCF-style: chr7-27132969-G-A.
Other names: c.*1481C>T (NM_153620.3).
Identifiers: ClinVar variation 908469 (VCV000908469.4), dbSNP rs7786554, ClinGen allele CA155898177.

ClinVar aggregate classification (germline): Benign (1 of 4 stars; one submission).

Conditions:
Athabaskan Brain Stem Dysgenesis Syndrome (ABDS) (ABDS). Also called: NAVAJO BRAINSTEM SYNDROME; ATHABASKAN BRAINSTEM DYSGENESIS SYNDROME. Identifiers: Orphanet 69737, Orphanet 69739, MedGen C1832215, MONDO:7770750, OMIM 601536.

Allele frequency attached by ClinVar (database versions not stated): TOPMed 0.00617; gnomAD 0.00620 and 0.00589; 1000 Genomes Project 0.00759; 1000 Genomes Project 30x 0.00812.

Submission:

Illumina Laboratory Services, Illumina
Classification: Benign for Athabaskan Brain Stem Dysgenesis Syndrome (ABDS). Last evaluated: 2018-01-12. Review status: criteria provided, single submitter. Criteria: ICSL Variant Classification Criteria 13 December 2019. Collection method: clinical testing. Allele origin: germline.
Comment: This variant was observed in the ICSL laboratory as part of a predisposition screen in an ostensibly healthy population. It had not been previously curated by ICSL or reported in the Human Gene Mutation Database (HGMD: prior to June 1st, 2018), and was therefore a candidate for classification through an automated scoring system. Utilizing variant allele frequency, disease prevalence and penetrance estimates, and inheritance mode, an automated score was calculated to assess if this variant is too frequent to cause the disease. Based on the score and internal cut-off values, a variant classified as benign is not then subjected to further curation. The score for this variant resulted in a classification of benign for this disease.